The following is an entry in ClinVar:

ClinVar aggregate classification (germline): Conflicting classifications of pathogenicity. Review status: criteria provided, conflicting classifications (1 of 4 stars). 7 submissions from 7 submitters: Uncertain significance (4); Likely benign (2). 1 of the submissions does not count toward it. Last evaluated 2026-01-04.

Conditions:
Familial thoracic aortic aneurysm and aortic dissection (TAAD). Also called: Thoracic aortic aneurysms and dissections. Identifiers: Orphanet 91387, MedGen C4707243, MONDO:0019625.
Aortic aneurysm, familial thoracic 7 (AAT7). Also called: AORTIC DISSECTION, FAMILIAL, WITH OR WITHOUT AORTIC ANEURYSM. Identifiers: MedGen C3151077, MONDO:0013418, OMIM 613780.
MYLK-related disorder. Also called: MYLK-related condition.

Allele frequency attached by ClinVar (database versions not stated): gnomAD exomes 0.00001 and 0.00003; gnomAD 0.00002 and 0.00003; ExAC 0.00003; TOPMed 0.00005.
gnomAD v4.1: 37 of 1,613,616 alleles (0.0023%); highest among the groups gnomAD compares: East Asian, 0.029%; no homozygotes.

Submissions (7):

Labcorp Genetics (formerly Invitae), Labcorp
Classification: Uncertain significance for Aortic aneurysm, familial thoracic 7. Last evaluated: 2026-01-04. Review status: criteria provided, single submitter. Criteria: Invitae Variant Classification Sherloc (09022015). Collection method: clinical testing. Allele origin: germline.
Comment: This sequence change falls in intron 28 of the MYLK gene. It does not directly change the encoded amino acid sequence of the MYLK protein. It affects a nucleotide within the consensus splice site. This variant is present in population databases (rs776825316, gnomAD 0.04%). This variant has not been reported in the literature in individuals affected with MYLK-related conditions. ClinVar contains an entry for this variant (Variation ID: 262289). Variants that disrupt the consensus splice site are a relatively common cause of aberrant splicing (PMID: 17576681, 9536098). Algorithms developed to predict the effect of sequence changes on RNA splicing suggest that this variant is not likely to affect RNA splicing. In summary, the available evidence is currently insufficient to determine the role of this variant in disease. Therefore, it has been classified as a Variant of Uncertain Significance.

Ambry Genetics
Classification: Uncertain significance for Familial thoracic aortic aneurysm and aortic dissection. Last evaluated: 2024-10-16. Review status: criteria provided, single submitter. Criteria: Ambry Variant Classification Scheme 2023. Collection method: clinical testing. Allele origin: germline.
Comment: The c.4838-3C>T intronic variant results from a C to T substitution 3 nucleotides upstream from coding exon 26 in the MYLK gene. This nucleotide position is well conserved in available vertebrate species. In silico splice site analysis for this alteration is inconclusive. Since supporting evidence is limited at this time, the clinical significance of this alteration remains unclear.

Blueprint Genetics
Classification: Likely benign. Last evaluated: 2024-05-21. Review status: criteria provided, single submitter. Criteria: ACMG Guidelines, 2015. Collection method: clinical testing. Allele origin: germline.

Women's Health and Genetics/Laboratory Corporation of America, LabCorp
Classification: Uncertain significance. Last evaluated: 2023-07-21. Review status: criteria provided, single submitter. Criteria: LabCorp Variant Classification Summary - May 2015. Collection method: clinical testing. Allele origin: germline.

GeneDx
Classification: Likely benign. Last evaluated: 2021-05-13. Review status: criteria provided, single submitter. Criteria: GeneDx Variant Classification Process June 2021. Collection method: clinical testing. Allele origin: germline. Affected: yes.

Revvity Omics, Revvity
Classification: Uncertain significance. Last evaluated: 2021-02-28. Review status: criteria provided, single submitter. Criteria: ACMG Guidelines, 2015. Collection method: clinical testing. Allele origin: germline.

PreventionGenetics, part of Exact Sciences
Classification: Likely benign for MYLK-related condition. Last evaluated: 2022-07-05. Review status: no assertion criteria provided. Collection method: clinical testing. Allele origin: germline. Not counted in ClinVar's aggregate classification.
Comment: This variant is classified as likely benign based on ACMG/AMP sequence variant interpretation guidelines (Richards et al. 2015 PMID: 25741868, with internal and published modifications).

Literature cited by the submitters: PubMed 17576681 (cited by Labcorp Genetics (formerly Invitae), Labcorp); PubMed 9536098 (cited by Labcorp Genetics (formerly Invitae), Labcorp).

NM_053025.4(MYLK):c.4838-3C>T

Gene: MYLK (myosin light chain kinase; minus strand). Cytogenetic location: 3q21.1.
Variant type: single nucleotide variant.
Coding change: c.4838-3C>T on transcript NM_053025.4 (MANE Select); 3 bases into the intron before coding-DNA position 4838, C replaced by T.
Molecular consequence: intron variant.
Genome position (GRCh38, 1-based): chr3:123,638,197, G>A on the plus strand (C>T on the coding strand, the complement: MYLK is on the minus strand). VCF-style: chr3-123638197-G-A. GRCh37 (hg19) VCF-style: chr3-123357044-G-A.
Other names: c.4310-3C>T (NM_001321309.2); c.4631-3C>T (NM_053028.4, NM_053026.4); c.4838-3C>T (NM_053027.4).
Identifiers: ClinVar variation 262289 (VCV000262289.19), dbSNP rs776825316, ClinGen allele CA072140.
Genomic context (GRCh38, chr3:123,638,197, plus strand): 5'-ACTTCAGGAGCCACAAATTCTGGGGTGCCAAAGAGGACCTTCAGAGACCCCGCATTCTCT[G>A]AAACCAGGATGGAGAGGGATAAATTGCCAGCACATCACGGAGCCAGCTTGAGACCAGCAG-3'